The following is an entry in ClinVar:

ClinVar aggregate classification (germline): Uncertain significance (1 of 4 stars; one submission).

Conditions:
Inborn genetic diseases. Identifiers: MedGen C0950123, MeSH D030342.

Submission:

Ambry Genetics
Classification: Uncertain significance for Inborn genetic diseases. Last evaluated: 2026-07-02. Review status: criteria provided, single submitter. Criteria: Ambry Variant Classification Scheme 2023. Collection method: clinical testing. Allele origin: germline.
Comment: The p.A478S variant (also known as c.1432G>T), located in coding exon 5 of the GATA2 gene, results from a G to T substitution at nucleotide position 1432. The alanine at codon 478 is replaced by serine, an amino acid with similar properties. This amino acid position is conserved. In addition, the in silico prediction for this alteration is inconclusive. Based on the available evidence, the clinical significance of this variant remains unclear.

NM_032638.5(GATA2):c.1432G>T (p.Ala478Ser)

Gene: GATA2 (GATA binding protein 2; minus strand). Cytogenetic location: 3q21.3.
Variant type: single nucleotide variant.
Coding change: c.1432G>T on transcript NM_032638.5 (MANE Select); coding-DNA position 1432, G replaced by T.
Protein change: p.Ala478Ser; replaces alanine 478 with serine.
Molecular consequence: missense variant.
Genome position (GRCh38, 1-based): chr3:128,481,030, C>A on the plus strand (G>T on the coding strand, the complement: GATA2 is on the minus strand). VCF-style: chr3-128481030-C-A. GRCh37 (hg19) VCF-style: chr3-128199873-C-A.
Other names: c.1432G>T, p.Ala478Ser (NM_001145661.2); c.1390G>T, p.Ala464Ser (NM_001145662.1); short protein forms A478S, A464S.
Identifiers: ClinVar variation 5022183 (VCV005022183.1).
Genomic context (GRCh38, chr3:128,481,030, plus strand): 5'-TTGGTCCACCCATCCCGGGAGTGCCCGGTCCTCGACGTCCATCTGTTCCCTAGCCCATGG[C>A]GGTCACCATGCTGGACGGGTGGGGGTGGCCGAAGGAGAGGCTGGAGGAGGGGTGGATGGG-3'
Protein context (NP_116027.2, residues 468-480): GHPHPSSMVT[Ala478Ser]MG